The following is an entry in ClinVar:

NM_001243133.2(NLRP3):c.1376G>A (p.Gly459Asp)

Gene: NLRP3 (NLR family pyrin domain containing 3; plus strand). Cytogenetic location: 1q44.
Variant type: single nucleotide variant.
Coding change: c.1376G>A on transcript NM_001243133.2 (MANE Select); coding-DNA position 1376, G replaced by A.
Protein change: p.Gly459Asp; replaces glycine 459 with aspartic acid.
Molecular consequence: missense variant.
Genome position (GRCh38, 1-based): chr1:247,424,825, G>A. VCF-style: chr1-247424825-G-A. GRCh37 (hg19) VCF-style: chr1-247588127-G-A.
Other names: c.1376G>A, p.Gly459Asp (NM_001079821.3, NM_001127461.3, NM_001127462.3 and 1 more transcripts); c.1382G>A, p.Gly461Asp (NM_004895.5); short protein forms G459D, G461D.
Identifiers: ClinVar variation 2954920 (VCV002954920.3), dbSNP rs1662748039, ClinGen allele CA345556750.
Genomic context (GRCh38, chr1:247,424,825, plus strand): 5'-CGGTGTACGTCTTCTTCCTTTCCAGTTTGCTGCAGCCCCGGGGAGGGAGCCAGGAGCACG[G>A]CCTCTGCGCCCACCTCTGGGGGCTCTGCTCTTTGGCTGCAGATGGAATCTGGAACCAGAA-3'
Protein context (NP_001230062.1, residues 449-469): LQPRGGSQEH[Gly459Asp]LCAHLWGLCS

ClinVar aggregate classification (germline): Uncertain significance (1 of 4 stars; one submission).

Conditions:
Cryopyrin associated periodic syndrome (CAPS). Identifiers: Orphanet 208650, MedGen C2316212, MONDO:0016168.

Allele frequency attached by ClinVar (database versions not stated): TOPMed below 0.00001.
gnomAD v4.1: 1 of 1,607,986 alleles (0.000062%); no homozygotes.

Submission:

Labcorp Genetics (formerly Invitae), Labcorp
Classification: Uncertain significance for Cryopyrin associated periodic syndrome. Last evaluated: 2022-10-30. Review status: criteria provided, single submitter. Criteria: Invitae Variant Classification Sherloc (09022015). Collection method: clinical testing. Allele origin: germline.
Comment: Advanced modeling of protein sequence and biophysical properties (such as structural, functional, and spatial information, amino acid conservation, physicochemical variation, residue mobility, and thermodynamic stability) performed at Invitae indicates that this missense variant is not expected to disrupt NLRP3 protein function. In summary, the available evidence is currently insufficient to determine the role of this variant in disease. Therefore, it has been classified as a Variant of Uncertain Significance. This variant has not been reported in the literature in individuals affected with NLRP3-related conditions. This variant is not present in population databases (gnomAD no frequency). This sequence change replaces glycine, which is neutral and non-polar, with aspartic acid, which is acidic and polar, at codon 461 of the NLRP3 protein (p.Gly461Asp).